The following is an entry in ClinVar:

ClinVar aggregate classification (germline): Conflicting classifications of pathogenicity. Review status: criteria provided, conflicting classifications (1 of 4 stars). 3 submissions from 3 submitters: Pathogenic (2); Uncertain significance (1). Last evaluated 2024-06-21.

Conditions:
Juvenile retinoschisis (RS1). Also called: X-linked retinoschisis; X-Linked Juvenile Retinoschisis. Identifiers: Orphanet 792, MedGen C3714753, MONDO:0010725, OMIM 312700.
RS1-related disorder. Also called: RS1-related condition.

Submissions (3):

Labcorp Genetics (formerly Invitae), Labcorp
Classification: Pathogenic. Last evaluated: 2024-06-21. Review status: criteria provided, single submitter. Criteria: Invitae Variant Classification Sherloc (09022015). Collection method: clinical testing. Allele origin: germline.
Comment: This sequence change creates a premature translational stop signal (p.Trp92*) in the RS1 gene. It is expected to result in an absent or disrupted protein product. Loss-of-function variants in RS1 are known to be pathogenic (PMID: 9618178, 17172462). This variant is not present in population databases (gnomAD no frequency). This premature translational stop signal has been observed in individual(s) with retinoschisis (PMID: 29739629, 34645606). For these reasons, this variant has been classified as Pathogenic.

Blueprint Genetics
Classification: Pathogenic for RS1-related disorders. Last evaluated: 2021-03-12. Review status: criteria provided, single submitter. Criteria: ACMG Guidelines, 2015. Collection method: clinical testing. Allele origin: germline. Affected: yes. Observed: 1 variant allele.

Department of Ophthalmology, Shanghai Jiao Tong University School of Medicine, Shanghai General Hospital
Classification: Uncertain significance for Juvenile retinoschisis. Review status: criteria provided, single submitter. Criteria: ACMG Guidelines, 2015. Collection method: research. Allele origin: germline. Affected: yes.

Literature cited by the submitters: PubMed 9618178 (cited by Labcorp Genetics (formerly Invitae), Labcorp); PubMed 17172462 (cited by Labcorp Genetics (formerly Invitae), Labcorp); PubMed 29739629 (cited by Labcorp Genetics (formerly Invitae), Labcorp); PubMed 34645606 (cited by Labcorp Genetics (formerly Invitae), Labcorp).

NM_000330.4(RS1):c.276G>A (p.Trp92Ter)

Genes: CDKL5 (cyclin dependent kinase like 5; plus strand), RS1 (retinoschisin 1; minus strand). Cytogenetic location: Xp22.13.
Variant type: single nucleotide variant.
Coding change: c.276G>A on transcript NM_000330.4 (MANE Select); coding-DNA position 276, G replaced by A.
Protein change: p.Trp92Ter; replaces tryptophan 92 with a stop codon.
Molecular consequence: nonsense. On other transcripts: intron variant (2).
Genome position (GRCh38, 1-based): chrX:18,647,241, C>T on the plus strand (G>A on the coding strand, the complement: RS1 is on the minus strand). VCF-style: chrX-18647241-C-T. GRCh37 (hg19) VCF-style: chrX-18665361-C-T.
Other names: c.2797+1151C>T (NM_003159.3, NM_001037343.2); short protein forms W92*.
Identifiers: ClinVar variation 3704498 (VCV003704498.4).